The following is an entry in ClinVar:

ClinVar aggregate classification (germline): Uncertain significance (1 of 4 stars; one submission).

gnomAD v4.1: 1 of 1,189,730 alleles (0.000084%); highest among the groups gnomAD compares: Non-Finnish European, 0.00011%; no homozygotes.

Submissions (2):

Women's Health and Genetics/Laboratory Corporation of America, LabCorp
Classification: Uncertain significance. Last evaluated: 2026-01-20. Review status: criteria provided, single submitter. Criteria: LabCorp Variant Classification Summary - May 2015. Collection method: clinical testing. Allele origin: germline.
Comment: Variant summary: DMD c.268G>A (p.Asp90Asn) results in a conservative amino acid change in the encoded protein sequence. Algorithms developed to predict the effect of missense changes on protein structure and function are either unavailable or do not agree on the potential impact of this missense change. The variant was absent in 182967 control chromosomes. The available data on variant occurrences in the general population are insufficient to allow any conclusion about variant significance. To our knowledge, no occurrence of c.268G>A in individuals affected with DMD-related conditions and no experimental evidence demonstrating its impact on protein function have been reported. ClinVar contains an entry for this variant (Variation ID: 3907535). Based on the evidence outlined above, the variant was classified as uncertain significance.

Dr. Peter K. Rogan Lab, Western University
No classification provided (evidence only). Condition: Nonpapillary renal cell carcinoma. Review status: no classification provided. Collection method: in vitro. Allele origin: not applicable. Functional consequence: retained intron. Not counted in ClinVar's aggregate classification.

NM_004006.3(DMD):c.268G>A (p.Asp90Asn)

Gene: DMD (dystrophin; minus strand). Cytogenetic location: Xp21.1.
Variant type: single nucleotide variant.
Coding change: c.268G>A on transcript NM_004006.3 (MANE Select); coding-DNA position 268, G replaced by A.
Protein change: p.Asp90Asn; replaces aspartic acid 90 with asparagine.
Molecular consequence: missense variant. On other transcripts: 5 prime UTR variant (1).
Genome position (GRCh38, 1-based): chrX:32,823,384, C>T on the plus strand (G>A on the coding strand, the complement: DMD is on the minus strand). VCF-style: chrX-32823384-C-T. GRCh37 (hg19) VCF-style: chrX-32841501-C-T.
Other names: NC_000023.10:g.32841501C>T; c.244G>A, p.Asp82Asn (NM_000109.4); c.256G>A, p.Asp86Asn (NM_004009.3); c.-102G>A (NM_004010.3); short protein forms D82N, D86N, D90N.
Identifiers: ClinVar variation 3907535 (VCV003907535.4).